The following is an entry in ClinVar:

NM_177438.3(DICER1):c.5143C>T (p.Leu1715Phe)

Gene: DICER1 (dicer 1, ribonuclease III; minus strand). Cytogenetic location: 14q32.13.
Variant type: single nucleotide variant.
Coding change: c.5143C>T on transcript NM_177438.3 (MANE Select); coding-DNA position 5143, C replaced by T.
Protein change: p.Leu1715Phe; replaces leucine 1715 with phenylalanine.
Molecular consequence: missense variant.
Genome position (GRCh38, 1-based): chr14:95,094,109, G>A on the plus strand (C>T on the coding strand, the complement: DICER1 is on the minus strand). VCF-style: chr14-95094109-G-A. GRCh37 (hg19) VCF-style: chr14-95560446-G-A.
Other names: c.5143C>T (NM_177438.2); c.5143C>T, p.Leu1715Phe (NM_001195573.1, NM_001271282.3, NM_001291628.2 and 1 more transcripts); short protein forms L1715F.
Identifiers: ClinVar variation 1510531 (VCV001510531.10), dbSNP rs1890096404, ClinGen allele CA390865350.

ClinVar aggregate classification (germline): Uncertain significance. Review status: criteria provided, multiple submitters, no conflicts (2 of 4 stars). 2 submissions from 2 submitters: Uncertain significance (2). Last evaluated 2023-02-16.

Conditions:
Hereditary cancer-predisposing syndrome. Also called: Neoplastic Syndromes, Hereditary; Hereditary Cancer Syndrome; Tumor predisposition; Hereditary neoplastic syndrome. Identifiers: Orphanet 140162, MedGen C0027672, MeSH D009386, MONDO:0015356.
DICER1-related tumor predisposition. Also called: DICER1 syndrome; DICER1-related pleuropulmonary blastoma cancer predisposition syndrome. Identifiers: Orphanet 284343, MedGen C3839822, MONDO:0100216.

Allele frequency attached by ClinVar (database versions not stated): TOPMed below 0.00001.

Submissions (2):

Ambry Genetics
Classification: Uncertain significance for Hereditary cancer-predisposing syndrome. Last evaluated: 2023-02-16. Review status: criteria provided, single submitter. Criteria: Ambry Variant Classification Scheme 2023. Collection method: clinical testing. Allele origin: germline.
Comment: The p.L1715F variant (also known as c.5143C>T), located in coding exon 23 of the DICER1 gene, results from a C to T substitution at nucleotide position 5143. The leucine at codon 1715 is replaced by phenylalanine, an amino acid with highly similar properties. This amino acid position is conserved. In addition, this alteration is predicted to be deleterious by in silico analysis. Since supporting evidence is limited at this time, the clinical significance of this alteration remains unclear.

Labcorp Genetics (formerly Invitae), Labcorp
Classification: Uncertain significance for DICER1-related tumor predisposition. Last evaluated: 2022-10-12. Review status: criteria provided, single submitter. Criteria: Invitae Variant Classification Sherloc (09022015). Collection method: clinical testing. Allele origin: germline.
Comment: In summary, the available evidence is currently insufficient to determine the role of this variant in disease. Therefore, it has been classified as a Variant of Uncertain Significance. Advanced modeling of protein sequence and biophysical properties (such as structural, functional, and spatial information, amino acid conservation, physicochemical variation, residue mobility, and thermodynamic stability) performed at Invitae indicates that this missense variant is expected to disrupt DICER1 protein function. ClinVar contains an entry for this variant (Variation ID: 1510531). This variant has not been reported in the literature in individuals affected with DICER1-related conditions. This variant is not present in population databases (gnomAD no frequency). This sequence change replaces leucine, which is neutral and non-polar, with phenylalanine, which is neutral and non-polar, at codon 1715 of the DICER1 protein (p.Leu1715Phe).